The following is an entry in ClinVar:

ClinVar aggregate classification (germline): Uncertain significance (1 of 4 stars; one submission).

Submission:

Labcorp Genetics (formerly Invitae), Labcorp
Classification: Uncertain significance. Last evaluated: 2022-03-09. Review status: criteria provided, single submitter. Criteria: Invitae Variant Classification Sherloc (09022015). Collection method: clinical testing. Allele origin: germline.
Comment: In summary, the available evidence is currently insufficient to determine the role of this variant in disease. Therefore, it has been classified as a Variant of Uncertain Significance. Algorithms developed to predict the effect of missense changes on protein structure and function (SIFT, PolyPhen-2, Align-GVGD) all suggest that this variant is likely to be tolerated. This variant has not been reported in the literature in individuals affected with PDE6A-related conditions. The frequency data for this variant in the population databases is considered unreliable, as metrics indicate poor data quality at this position in the gnomAD database. This sequence change replaces proline, which is neutral and non-polar, with arginine, which is basic and polar, at codon 52 of the PDE6A protein (p.Pro52Arg).

NM_000440.3(PDE6A):c.155C>G (p.Pro52Arg)

Gene: PDE6A (phosphodiesterase 6A; minus strand). Cytogenetic location: 5q32.
Variant type: single nucleotide variant.
Coding change: c.155C>G on transcript NM_000440.3 (MANE Select); coding-DNA position 155, C replaced by G.
Protein change: p.Pro52Arg; replaces proline 52 with arginine.
Molecular consequence: missense variant.
Genome position (GRCh38, 1-based): chr5:149,944,519, G>C on the plus strand (C>G on the coding strand, the complement: PDE6A is on the minus strand). VCF-style: chr5-149944519-G-C. GRCh37 (hg19) VCF-style: chr5-149324082-G-C.
Other names: c.155C>G, p.Pro52Arg (NM_001410788.1); short protein forms P52R.
Identifiers: ClinVar variation 1936228 (VCV001936228.5), dbSNP rs774005137, ClinGen allele CA3505133.